The following is an entry in ClinVar:

NM_001085049.3(MRAS):c.161C>T (p.Thr54Met)

Gene: MRAS (muscle RAS oncogene homolog; plus strand). Cytogenetic location: 3q22.3.
Variant type: single nucleotide variant.
Coding change: c.161C>T on transcript NM_001085049.3 (MANE Select); coding-DNA position 161, C replaced by T.
Protein change: p.Thr54Met; replaces threonine 54 with methionine.
Molecular consequence: missense variant. On other transcripts: intron variant (3).
Genome position (GRCh38, 1-based): chr3:138,373,044, C>T. VCF-style: chr3-138373044-C-T. GRCh37 (hg19) VCF-style: chr3-138091886-C-T.
Other names: c.161C>T, p.Thr54Met (NM_001252090.2, NM_012219.4); c.-35-24280C>T (NM_001252091.1); c.-36+24277C>T (NM_001252093.2); c.-36+24012C>T (NM_001252092.2); short protein forms T54M.
Identifiers: ClinVar variation 2127892 (VCV002127892.4), dbSNP rs2054707593, ClinGen allele CA354672497.

ClinVar aggregate classification (germline): Uncertain significance (1 of 4 stars; one submission).

Allele frequency attached by ClinVar (database versions not stated): TOPMed below 0.00001; gnomAD exomes below 0.00001.
gnomAD v4.1: 4 of 1,509,232 alleles (0.00027%); highest among the groups gnomAD compares: Non-Finnish European, 0.00035%; no homozygotes.

Submission:

Labcorp Genetics (formerly Invitae), Labcorp
Classification: Uncertain significance. Last evaluated: 2025-11-03. Review status: criteria provided, single submitter. Criteria: Invitae Variant Classification Sherloc (09022015). Collection method: clinical testing. Allele origin: germline.
Comment: This sequence change replaces threonine, which is neutral and polar, with methionine, which is neutral and non-polar, at codon 54 of the MRAS protein (p.Thr54Met). This variant is not present in population databases (gnomAD no frequency). This variant has not been reported in the literature in individuals affected with MRAS-related conditions. ClinVar contains an entry for this variant (Variation ID: 2127892). An algorithm developed to predict the effect of missense changes on protein structure and function (PolyPhen-2) suggests that this variant is likely to be disruptive. In summary, the available evidence is currently insufficient to determine the role of this variant in disease. Therefore, it has been classified as a Variant of Uncertain Significance.